The following is an entry in ClinVar:

ClinVar aggregate classification (germline): Uncertain significance. Review status: criteria provided, multiple submitters, no conflicts (2 of 4 stars). 2 submissions from 2 submitters: Uncertain significance (2). Last evaluated 2023-12-23.

Allele frequency attached by ClinVar (database versions not stated): ExAC 0.00001; gnomAD 0.00001; TOPMed 0.00002.
gnomAD v4.1: 14 of 1,614,086 alleles (0.00087%); highest among the groups gnomAD compares: Non-Finnish European, 0.0012%; no homozygotes.

Submissions (2):

Labcorp Genetics (formerly Invitae), Labcorp
Classification: Uncertain significance. Last evaluated: 2023-12-23. Review status: criteria provided, single submitter. Criteria: Invitae Variant Classification Sherloc (09022015). Collection method: clinical testing. Allele origin: germline.
Comment: This sequence change replaces valine, which is neutral and non-polar, with isoleucine, which is neutral and non-polar, at codon 1223 of the NPAT protein (p.Val1223Ile). This variant is present in population databases (rs775736036, gnomAD 0.002%). This variant has not been reported in the literature in individuals affected with NPAT-related conditions. ClinVar contains an entry for this variant (Variation ID: 1733737). Algorithms developed to predict the effect of missense changes on protein structure and function output the following: SIFT: "Not Available"; PolyPhen-2: "Benign"; Align-GVGD: "Not Available". The isoleucine amino acid residue is found in multiple mammalian species, which suggests that this missense change does not adversely affect protein function. In summary, the available evidence is currently insufficient to determine the role of this variant in disease. Therefore, it has been classified as a Variant of Uncertain Significance.

Ambry Genetics
Classification: Uncertain significance. Last evaluated: 2023-09-20. Review status: criteria provided, single submitter. Criteria: Ambry Variant Classification Scheme 2023. Collection method: clinical testing. Allele origin: germline.
Comment: The p.V1223I variant (also known as c.3667G>A), located in coding exon 17 of the NPAT gene, results from a G to A substitution at nucleotide position 3667. The valine at codon 1223 is replaced by isoleucine, an amino acid with highly similar properties. This amino acid position is conserved. In addition, this alteration is predicted to be tolerated by in silico analysis. Since supporting evidence is limited at this time, the clinical significance of this alteration remains unclear.

NM_002519.3(NPAT):c.3667G>A (p.Val1223Ile)

Gene: NPAT (nuclear protein, coactivator of histone transcription; minus strand). Cytogenetic location: 11q22.3.
Variant type: single nucleotide variant.
Coding change: c.3667G>A on transcript NM_002519.3 (MANE Select); coding-DNA position 3667, G replaced by A.
Protein change: p.Val1223Ile; replaces valine 1223 with isoleucine.
Molecular consequence: missense variant.
Genome position (GRCh38, 1-based): chr11:108,161,419, C>T on the plus strand (G>A on the coding strand, the complement: NPAT is on the minus strand). VCF-style: chr11-108161419-C-T. GRCh37 (hg19) VCF-style: chr11-108032146-C-T.
Other names: c.3688G>A, p.Val1230Ile (NM_001321307.1); short protein forms V1223I, V1230I.
Identifiers: ClinVar variation 1733737 (VCV001733737.5), dbSNP rs775736036, ClinGen allele CA6263539.